The following is an entry in ClinVar:

NM_005732.4(RAD50):c.2000C>T (p.Ser667Phe)

Gene: RAD50 (RAD50 double strand break repair protein; plus strand). Cytogenetic location: 5q31.1.
Variant type: single nucleotide variant.
Coding change: c.2000C>T on transcript NM_005732.4 (MANE Select); coding-DNA position 2000, C replaced by T.
Protein change: p.Ser667Phe; replaces serine 667 with phenylalanine.
Molecular consequence: missense variant.
Genome position (GRCh38, 1-based): chr5:132,595,603, C>T. VCF-style: chr5-132595603-C-T. GRCh37 (hg19) VCF-style: chr5-131931295-C-T.
Other names: short protein forms S667F.
Identifiers: ClinVar variation 480485 (VCV000480485.5), dbSNP rs1554098669, ClinGen allele CA360949310.
Genomic context (GRCh38, chr5:132,595,603, plus strand): 5'-TTGGTGATATAATTTATTTTCTTAAAATAGCCATGCTGGCTGGAGCCACAGCAGTTTACT[C>T]CCAGTTCATTACTCAGCTAACAGACGAAAACCAGTCATGTTGCCCCGTTTGTCAGAGAGT-3'
Protein context (NP_005723.2, residues 657-677): AMLAGATAVY[Ser667Phe]QFITQLTDEN

ClinVar aggregate classification (germline): Uncertain significance (1 of 4 stars; one submission).

Conditions:
Hereditary cancer-predisposing syndrome. Also called: Hereditary Cancer Syndrome; Neoplastic Syndromes, Hereditary; Tumor predisposition; Hereditary neoplastic syndrome. Identifiers: Orphanet 140162, MedGen C0027672, MeSH D009386, MONDO:0015356.

Allele frequency attached by ClinVar (database versions not stated): gnomAD exomes below 0.00001.

Submission:

Ambry Genetics
Classification: Uncertain significance for Hereditary cancer-predisposing syndrome. Last evaluated: 2017-04-20. Review status: criteria provided, single submitter. Criteria: Ambry Variant Classification Scheme 2023. Collection method: clinical testing. Allele origin: germline.
Comment: The p.S667F variant (also known as c.2000C>T), located in coding exon 13 of the RAD50 gene, results from a C to T substitution at nucleotide position 2000. The serine at codon 667 is replaced by phenylalanine, an amino acid with highly dissimilar properties. This amino acid position is not well conserved in available vertebrate species. In addition, this alteration is predicted to be tolerated by in silico analysis. Since supporting evidence is limited at this time, the clinical significance of this alteration remains unclear.